The following is an entry in ClinVar:

ClinVar aggregate classification (germline): Uncertain significance (1 of 4 stars; one submission).

Conditions:
ABCA13-related disorder. Also called: ABCA13-related condition.

Submission:

PreventionGenetics, part of Exact Sciences
Classification: Uncertain significance for ABCA13-related condition. Last evaluated: 2026-09-17. Review status: criteria provided, single submitter. Criteria: ACMG Guidelines, 2015. Collection method: clinical testing. Allele origin: germline.
Comment: The ABCA13 c.13880T>G variant is predicted to result in the amino acid substitution p.Leu4627Arg. To our knowledge, this variant has not been reported in the literature or in a large population database (gnomAD), indicating this variant is rare. At this time, the clinical significance of this variant is uncertain due to the absence of conclusive functional and genetic evidence.

NM_152701.5(ABCA13):c.13880T>G (p.Leu4627Arg)

Gene: ABCA13 (ATP binding cassette subfamily A member 13; plus strand). Cytogenetic location: 7p12.3.
Variant type: single nucleotide variant.
Coding change: c.13880T>G on transcript NM_152701.5 (MANE Select); coding-DNA position 13880, T replaced by G.
Protein change: p.Leu4627Arg; replaces leucine 4627 with arginine.
Molecular consequence: missense variant.
Genome position (GRCh38, 1-based): chr7:48,520,123, T>G. VCF-style: chr7-48520123-T-G. GRCh37 (hg19) VCF-style: chr7-48559719-T-G.
Other names: short protein forms L4627R.
Identifiers: ClinVar variation 4997877 (VCV004997877.1).